The following is an entry in ClinVar:

ClinVar aggregate classification (germline): Conflicting classifications of pathogenicity. Review status: criteria provided, conflicting classifications (1 of 4 stars). 2 submissions from 2 submitters: Uncertain significance (1); Likely benign (1). Last evaluated 2024-12-31.

Allele frequency attached by ClinVar (database versions not stated): ExAC 0.00001; gnomAD 0.00001; gnomAD exomes 0.00001; TOPMed 0.00002; 1000 Genomes Project 30x 0.00016; 1000 Genomes Project 0.00020.
gnomAD v4.1: 10 of 1,614,228 alleles (0.00062%); highest among the groups gnomAD compares: Admixed American, 0.017%; no homozygotes.

Submissions (2):

Labcorp Genetics (formerly Invitae), Labcorp
Classification: Likely benign. Last evaluated: 2024-12-31. Review status: criteria provided, single submitter. Criteria: Invitae Variant Classification Sherloc (09022015). Collection method: clinical testing. Allele origin: germline.

Women's Health and Genetics/Laboratory Corporation of America, LabCorp
Classification: Uncertain significance. Last evaluated: 2024-11-19. Review status: criteria provided, single submitter. Criteria: LabCorp Variant Classification Summary - May 2015. Collection method: clinical testing. Allele origin: germline.
Comment: Variant summary: COL10A1 c.1703C>T (p.Pro568Leu) results in a non-conservative amino acid change located in the Complement component C1q domain (IPR001073) of the encoded protein sequence. Five of five in-silico tools predict a damaging effect of the variant on protein function. The variant allele was found at a frequency of 8e-06 in 251438 control chromosomes. The available data on variant occurrences in the general population are insufficient to allow any conclusion about variant significance. To our knowledge, no occurrence of c.1703C>T in individuals affected with Metaphyseal Chondrodysplasia, Schmid Type and no experimental evidence demonstrating its impact on protein function have been reported. ClinVar contains an entry for this variant (Variation ID: 2413993). Based on the evidence outlined above, the variant was classified as uncertain significance.

NM_000493.4(COL10A1):c.1703C>T (p.Pro568Leu)

Genes: COL10A1 (collagen type X alpha 1 chain; minus strand), NT5DC1 (5'-nucleotidase domain containing 1; plus strand). Cytogenetic location: 6q22.1.
Variant type: single nucleotide variant.
Coding change: c.1703C>T on transcript NM_000493.4 (MANE Select); coding-DNA position 1703, C replaced by T.
Protein change: p.Pro568Leu; replaces proline 568 with leucine.
Molecular consequence: missense variant. On other transcripts: intron variant (1).
Genome position (GRCh38, 1-based): chr6:116,120,413, G>A on the plus strand (C>T on the coding strand, the complement: COL10A1 is on the minus strand). VCF-style: chr6-116120413-G-A. GRCh37 (hg19) VCF-style: chr6-116441576-G-A.
Other names: c.1703C>T, p.Pro568Leu (NM_001424106.1, NM_001424107.1); c.529+2468G>A (NM_152729.3); short protein forms P568L.
Identifiers: ClinVar variation 2413993 (VCV002413993.8), dbSNP rs191382529, ClinGen allele CA3968128.